The following is an entry in ClinVar:

ClinVar aggregate classification (germline): Uncertain significance. Review status: criteria provided, multiple submitters, no conflicts (2 of 4 stars). 4 submissions from 4 submitters: Uncertain significance (3). 1 of the submissions does not count toward it. Last evaluated 2025-10-13.

Conditions:
Autosomal recessive limb-girdle muscular dystrophy type 2C (LGMDR5). Also called: MUSCULAR DYSTROPHY, LIMB-GIRDLE, AUTOSOMAL RECESSIVE 5; MUSCULAR DYSTROPHY, DUCHENNE-LIKE. Identifiers: Orphanet 353, MedGen C0410173, MONDO:0009677, OMIM 253700. Disease mechanism: Affects gamma-sarcoglycan and also disrupts the integrity of the entire sarcoglycan complex..

Allele frequency attached by ClinVar (database versions not stated): gnomAD exomes 0.00008; ExAC 0.00011; TOPMed 0.00027; 1000 Genomes Project 30x 0.00031; ESP Exome Variant Server 0.00031; gnomAD 0.00031; 1000 Genomes Project 0.00040.
gnomAD v4.1: 105 of 1,611,892 alleles (0.0065%); highest among the groups gnomAD compares: African/African-American, 0.088%; 1 homozygote.

Submissions (4):

Labcorp Genetics (formerly Invitae), Labcorp
Classification: Uncertain significance for Autosomal recessive limb-girdle muscular dystrophy type 2C. Last evaluated: 2025-10-13. Review status: criteria provided, single submitter. Criteria: Invitae Variant Classification Sherloc (09022015). Collection method: clinical testing. Allele origin: germline.
Comment: This sequence change replaces arginine, which is basic and polar, with histidine, which is basic and polar, at codon 3 of the SGCG protein (p.Arg3His). This variant is present in population databases (rs35105771, gnomAD 0.06%). This variant has not been reported in the literature in individuals affected with SGCG-related conditions. ClinVar contains an entry for this variant (Variation ID: 284971). An algorithm developed to predict the effect of missense changes on protein structure and function (PolyPhen-2) suggests that this variant is likely to be disruptive. In summary, the available evidence is currently insufficient to determine the role of this variant in disease. Therefore, it has been classified as a Variant of Uncertain Significance.

Revvity Omics, Revvity
Classification: Uncertain significance for Autosomal recessive limb-girdle muscular dystrophy type 2C. Last evaluated: 2021-06-30. Review status: criteria provided, single submitter. Criteria: ACMG Guidelines, 2015. Collection method: clinical testing. Allele origin: germline.

Eurofins Ntd Llc (ga)
Classification: Uncertain significance. Last evaluated: 2016-12-04. Review status: criteria provided, single submitter. Criteria: EGL Classification Definitions 2015. Collection method: clinical testing. Allele origin: germline. Observed: 2 variant alleles, 2 heterozygotes.

Natera, Inc.
Classification: Uncertain significance for Limb-girdle muscular dystrophy type 2C. Last evaluated: 2020-09-16. Review status: no assertion criteria provided. Collection method: clinical testing. Allele origin: germline. Not counted in ClinVar's aggregate classification.

NM_000231.3(SGCG):c.8G>A (p.Arg3His)

Gene: SGCG (sarcoglycan gamma; plus strand). Cytogenetic location: 13q12.12.
Variant type: single nucleotide variant.
Coding change: c.8G>A on transcript NM_000231.3 (MANE Select); coding-DNA position 8, G replaced by A.
Protein change: p.Arg3His; replaces arginine 3 with histidine.
Molecular consequence: missense variant.
Genome position (GRCh38, 1-based): chr13:23,203,702, G>A. VCF-style: chr13-23203702-G-A. GRCh37 (hg19) VCF-style: chr13-23777841-G-A.
Other names: c.62G>A, p.Arg21His (NM_001378244.1); c.8G>A, p.Arg3His (NM_001378245.1, NM_001378246.1); short protein forms R3H, R21H.
Identifiers: ClinVar variation 284971 (VCV000284971.14), dbSNP rs35105771, ClinGen allele CA6909547.